The following is an entry in ClinVar:

ClinVar aggregate classification (germline): Uncertain significance (1 of 4 stars; one submission).

Submission:

Labcorp Genetics (formerly Invitae), Labcorp
Classification: Uncertain significance. Last evaluated: 2024-07-12. Review status: criteria provided, single submitter. Criteria: Invitae Variant Classification Sherloc (09022015). Collection method: clinical testing. Allele origin: germline.
Comment: This sequence change creates a premature translational stop signal (p.Leu234Alafs*10) in the CLUAP1 gene. It is expected to result in an absent or disrupted protein product. However, the current clinical and genetic evidence is not sufficient to establish whether loss-of-function variants in CLUAP1 cause disease. This variant is not present in population databases (gnomAD no frequency). This variant has not been reported in the literature in individuals affected with CLUAP1-related conditions. In summary, the available evidence is currently insufficient to determine the role of this variant in disease. Therefore, it has been classified as a Variant of Uncertain Significance.

NM_015041.3(CLUAP1):c.700_701del (p.Leu234fs)

Gene: CLUAP1 (clusterin associated protein 1; plus strand). Cytogenetic location: 16p13.3.
Variant type: Microsatellite.
Coding change: c.700_701del on transcript NM_015041.3 (MANE Select); coding-DNA positions 700 to 701, 2 bases deleted (CT; older notation c.700_701delCT).
Protein change: p.Leu234fs; shifts the reading frame from leucine 234.
Molecular consequence: frameshift variant.
Genome position (GRCh38, 1-based): chr16:3,520,023-3,520,024, CT deleted; deleting any 2 consecutive bases within chr16:3,520,021-3,520,024 gives the same sequence; the c. name uses the placement nearest the transcript's 3' end. VCF-style (leftmost placement, unchanged base first): chr16-3520020-ACT-A. GRCh37 (hg19) VCF-style: chr16-3570020-ACT-A.
Other names: c.700_701del, p.Leu234fs (NM_001330454.2); c.202_203del, p.Leu68fs (NM_024793.3); short protein forms L234fs, L68fs.
Identifiers: ClinVar variation 3659357 (VCV003659357.2).
Genomic context (GRCh38, chr16:3,520,020, plus strand): 5'-TTAGAAGCCAAAATCGAAAAGAGAAAATTAGAACTGGAAAGAAATCGGAAGCGACTAGAG[ACT>A]CTGCAGAGTGTCAGGTAGATATGAACACTTGGAGAATGAGTAGAAAGATGTCCTGGAAAG-3'